The following is an entry in ClinVar:

NM_001025195.2(CES1):c.431G>A (p.Gly144Glu)

Gene: CES1 (carboxylesterase 1; minus strand). Cytogenetic location: 16q12.2.
Variant type: single nucleotide variant.
Coding change: c.431G>A on transcript NM_001025195.2 (MANE Select); coding-DNA position 431, G replaced by A.
Protein change: p.Gly144Glu; replaces glycine 144 with glutamic acid.
Molecular consequence: missense variant.
Genome position (GRCh38, 1-based): chr16:55,823,658, C>T on the plus strand (G>A on the coding strand, the complement: CES1 is on the minus strand). VCF-style: chr16-55823658-C-T. GRCh37 (hg19) VCF-style: chr16-55857570-C-T.
Other names: c.428G>A, p.Gly143Glu (NM_001025194.2, NM_001266.5); short protein forms G144E, G143E.
Identifiers: ClinVar variation 226014 (VCV000226014.28), dbSNP rs71647871, ClinGen allele CA8062615.

ClinVar aggregate classification (germline): drug response. Review status: reviewed by expert panel (3 of 4 stars). 4 submissions from 3 submitters: drug response (2). 2 of the submissions do not count toward it. Last evaluated 2021-03-24.

Conditions:
clopidogrel response - Efficacy. Identifiers: MedGen CN322727.
clopidogrel response - Metabolism/PK.

Allele frequency attached by ClinVar (database versions not stated): ESP Exome Variant Server 0.00662; 1000 Genomes Project 30x 0.00828; gnomAD 0.00998 and 0.01006; gnomAD exomes 0.01092; ExAC 0.01422.

Submissions (4):

ClinPGx
Classification: drug response for clopidogrel response - Efficacy. Last evaluated: 2021-03-24. Review status: reviewed by expert panel. Criteria: Pharmacogenomics knowledge for personalized medicine. Collection method: curation. Allele origin: germline. Affected: yes.
Comment: PharmGKB Level of Evidence 2B: Variants in Level 2B clinical annotations are not in PharmGKB’s Tier 1 VIPs. These clinical annotations describe variant-drug combinations with a moderate level of evidence supporting the association. For example, the association may be found in multiple cohorts, but there may be a minority of studies that do not support the majority assertion. Level 2B clinical annotations must be supported by at least two independent publications.

ClinPGx
Classification: drug response for clopidogrel response - Metabolism/PK. Last evaluated: 2021-03-24. Review status: reviewed by expert panel. Criteria: Pharmacogenomics knowledge for personalized medicine. Collection method: curation. Allele origin: germline. Affected: yes.
Comment: the same text as in the submission from ClinPGx above.

CeGaT Center for Human Genetics Tuebingen
Classification: Likely pathogenic. Last evaluated: 2022-11-01. Review status: criteria provided, single submitter. Criteria: CeGaT Center For Human Genetics Tuebingen Variant Classification Criteria Version 2. Collection method: clinical testing. Allele origin: germline. Affected: yes. Observed: 1 variant allele. Not counted in ClinVar's aggregate classification.
Comment: CES1: PM1, PS4:Moderate, PP4, PS3:Supporting

GeneDx
Classification: Likely benign. Last evaluated: 2018-05-15. Review status: criteria provided, single submitter. Criteria: GeneDx Variant Classification (06012015). Collection method: clinical testing. Allele origin: germline. Affected: yes. Not counted in ClinVar's aggregate classification.
Comment: This variant is considered likely benign or benign based on one or more of the following criteria: it is a conservative change, it occurs at a poorly conserved position in the protein, it is predicted to be benign by multiple in silico algorithms, and/or has population frequency not consistent with disease.

Literature cited by the submitters: PubMed 23111421 (cited by ClinPGx); PubMed 25704243 (cited by ClinPGx); PubMed 23275066 (cited by ClinPGx).